The following is an entry in ClinVar:

ClinVar aggregate classification (germline): Uncertain significance (1 of 4 stars; one submission).

Conditions:
Hereditary cancer-predisposing syndrome. Also called: Neoplastic Syndromes, Hereditary; Tumor predisposition; Hereditary Cancer Syndrome; Hereditary neoplastic syndrome. Identifiers: Orphanet 140162, MedGen C0027672, MeSH D009386, MONDO:0015356.

gnomAD v4.1: 1 of 1,614,156 alleles (0.000062%); highest among the groups gnomAD compares: Non-Finnish European, 0.000085%; no homozygotes.

Submission:

Ambry Genetics
Classification: Uncertain significance for Hereditary cancer-predisposing syndrome. Last evaluated: 2025-11-08. Review status: criteria provided, single submitter. Criteria: Ambry Variant Classification Scheme 2023. Collection method: clinical testing. Allele origin: germline.
Comment: The p.N1544D variant (also known as c.4630A>G), located in coding exon 29 of the ALK gene, results from an A to G substitution at nucleotide position 4630. The asparagine at codon 1544 is replaced by aspartic acid, an amino acid with highly similar properties. This amino acid position is conserved. In addition, this alteration is predicted to be tolerated by in silico analysis. Based on the available evidence, the clinical significance of this variant remains unclear.

NM_004304.5(ALK):c.4630A>G (p.Asn1544Asp)

Gene: ALK (ALK receptor tyrosine kinase; minus strand). Cytogenetic location: 2p23.2.
Variant type: single nucleotide variant.
Coding change: c.4630A>G on transcript NM_004304.5 (MANE Select); coding-DNA position 4630, A replaced by G.
Protein change: p.Asn1544Asp; replaces asparagine 1544 with aspartic acid.
Molecular consequence: missense variant.
Genome position (GRCh38, 1-based): chr2:29,193,457, T>C on the plus strand (A>G on the coding strand, the complement: ALK is on the minus strand). VCF-style: chr2-29193457-T-C. GRCh37 (hg19) VCF-style: chr2-29416323-T-C.
Other names: c.1426A>G, p.Asn476Asp (NM_001353765.2); short protein forms N1544D, N476D.
Identifiers: ClinVar variation 4678360 (VCV004678360.1).